The following is an entry in ClinVar:

ClinVar aggregate classification (germline): Uncertain significance. Review status: criteria provided, multiple submitters, no conflicts (2 of 4 stars). 2 submissions from 2 submitters: Uncertain significance (2). Last evaluated 2024-05-19.

Conditions:
Hypertrophic cardiomyopathy 26. Also called: Cardiomyopathy, familial hypertrophic, 26. Identifiers: Orphanet 75249, MedGen C4310749, MONDO:0014883, OMIM 617047.
Distal myopathy with posterior leg and anterior hand involvement. Also called: WILLIAMS DISTAL MYOPATHY. Identifiers: Orphanet 63273, MedGen C3279722, MONDO:0013550, OMIM 614065.
Myofibrillar myopathy 5. Also called: Filaminopathy (type); FILAMINOPATHY, AUTOSOMAL DOMINANT. Identifiers: Orphanet 171445, MedGen C1836050, MONDO:0012289, OMIM 609524.
Cardiovascular phenotype. Identifiers: MedGen CN230736.

Allele frequency attached by ClinVar (database versions not stated): gnomAD 0.00001; gnomAD exomes 0.00001 and 0.00002; TOPMed 0.00001; ExAC 0.00002.
gnomAD v4.1: 20 of 1,613,758 alleles (0.0012%); highest among the groups gnomAD compares: Non-Finnish European, 0.0015%; no homozygotes.

Submissions (2):

Ambry Genetics
Classification: Uncertain significance for Cardiovascular phenotype. Last evaluated: 2024-05-19. Review status: criteria provided, single submitter. Criteria: Ambry Variant Classification Scheme 2023. Collection method: clinical testing. Allele origin: germline.
Comment: The p.S1156N variant (also known as c.3467G>A), located in coding exon 21 of the FLNC gene, results from a G to A substitution at nucleotide position 3467. The serine at codon 1156 is replaced by asparagine, an amino acid with highly similar properties. This amino acid position is conserved. In addition, this alteration is predicted to be tolerated by in silico analysis. Since supporting evidence is limited at this time, the clinical significance of this alteration remains unclear.

Labcorp Genetics (formerly Invitae), Labcorp
Classification: Uncertain significance for Distal myopathy with posterior leg and anterior hand involvement; Myofibrillar myopathy 5; Hypertrophic cardiomyopathy 26. Last evaluated: 2024-03-26. Review status: criteria provided, single submitter. Criteria: Invitae Variant Classification Sherloc (09022015). Collection method: clinical testing. Allele origin: germline.
Comment: This sequence change replaces serine, which is neutral and polar, with asparagine, which is neutral and polar, at codon 1156 of the FLNC protein (p.Ser1156Asn). This variant is present in population databases (rs768725458, gnomAD 0.005%). This variant has not been reported in the literature in individuals affected with FLNC-related conditions. ClinVar contains an entry for this variant (Variation ID: 934475). Advanced modeling of protein sequence and biophysical properties (such as structural, functional, and spatial information, amino acid conservation, physicochemical variation, residue mobility, and thermodynamic stability) has been performed at Invitae for this missense variant, however the output from this modeling did not meet the statistical confidence thresholds required to predict the impact of this variant on FLNC protein function. In summary, the available evidence is currently insufficient to determine the role of this variant in disease. Therefore, it has been classified as a Variant of Uncertain Significance.

NM_001458.5(FLNC):c.3467G>A (p.Ser1156Asn)

Gene: FLNC (filamin C; plus strand). Cytogenetic location: 7q32.1.
Variant type: single nucleotide variant.
Coding change: c.3467G>A on transcript NM_001458.5 (MANE Select); coding-DNA position 3467, G replaced by A.
Protein change: p.Ser1156Asn; replaces serine 1156 with asparagine.
Molecular consequence: missense variant.
Genome position (GRCh38, 1-based): chr7:128,844,932, G>A. VCF-style: chr7-128844932-G-A. GRCh37 (hg19) VCF-style: chr7-128484986-G-A.
Other names: c.3467G>A, p.Ser1156Asn (NM_001127487.2); short protein forms S1156N.
Identifiers: ClinVar variation 934475 (VCV000934475.12), dbSNP rs768725458, ClinGen allele CA4475050.